The following is an entry in ClinVar:

NM_016628.5(WAC):c.851dup (p.Ala285fs)

Gene: WAC (WW domain containing adaptor with coiled-coil; plus strand). Cytogenetic location: 10p12.1.
Variant type: Duplication.
Coding change: c.851dup on transcript NM_016628.5 (MANE Select); coding-DNA position 851, one base duplicated (G; older notation c.851dupG).
Protein change: p.Ala285fs; shifts the reading frame from alanine 285.
Molecular consequence: frameshift variant. On other transcripts: intron variant (1).
Genome position (GRCh38, 1-based): chr10:28,595,973, G duplicated; the last of 2 consecutive G bases (chr10:28,595,972-28,595,973); duplicating either gives the same sequence. VCF-style (leftmost placement, unchanged base first): chr10-28595971-T-TG. GRCh37 (hg19) VCF-style: chr10-28884900-T-TG.
Other names: c.716dup, p.Ala240fs (NM_100264.3); c.610+5141dup (NM_100486.4); short protein forms A240fs, A285fs.
Identifiers: ClinVar variation 280741 (VCV000280741.2), dbSNP rs886041891, ClinGen allele CA10603220.

ClinVar aggregate classification (germline): Pathogenic (1 of 4 stars; one submission).

Submission:

GeneDx
Classification: Pathogenic. Last evaluated: 2016-07-21. Review status: criteria provided, single submitter. Criteria: GeneDx Variant Classification (06012015). Collection method: clinical testing. Allele origin: germline. Affected: yes.
Comment: The c.851dupG pathogenic variant in the WAC gene has not been reported previously as a pathogenic variant nor as a benign variant, to our knowledge. The c.851dupG variant causes a frameshift starting with codon Alanine 285, changes this amino acid to a Serine residue, and creates a premature Stop codon at position 80 of the new reading frame, denoted p.Ala285SerfsX80. This variant is predicted to cause loss of normal protein function either through protein truncation or nonsense-mediated mRNA decay. The c.851dupG variant was not observed in approximately 6,500 individuals of European and African American ancestry in the NHLBI Exome Sequencing Project, indicating it is not a common benign variant in these populations.